The following is an entry in ClinVar:

ClinVar aggregate classification (germline): Pathogenic (1 of 4 stars; one submission).

Conditions:
Inborn genetic diseases. Identifiers: MedGen C0950123, MeSH D030342.

Submission:

Ambry Genetics
Classification: Pathogenic for Inborn genetic diseases. Last evaluated: 2024-08-13. Review status: criteria provided, single submitter. Criteria: Ambry Variant Classification Scheme 2023. Collection method: clinical testing. Allele origin: germline.
Comment: The c.1608_1609dupGT (p.F537Cfs*49) alteration, located in exon 6 (coding exon 6) of the NAGLU gene, consists of a duplication of GT at position 1608, causing a translational frameshift with a predicted alternate stop codon after 49 amino acids. This alteration occurs at the 3' terminus of the NAGLU gene, is not expected to trigger nonsense-mediated mRNA decay, and impacts the last 27.9% of the protein. Premature stop codons are typically deleterious in nature. The impacted region is critical for protein function and a significant portion of the protein is affected (Ambry internal data). This variant was not reported in population-based cohorts in the Genome Aggregation Database (gnomAD). Based on the available evidence, this alteration is classified as pathogenic.

NM_000263.4(NAGLU):c.1608_1609dup (p.Phe537fs)

Gene: NAGLU (N-acetyl-alpha-glucosaminidase; plus strand). Cytogenetic location: 17q21.2.
Variant type: Microsatellite.
Coding change: c.1608_1609dup on transcript NM_000263.4 (MANE Select); coding-DNA positions 1608 to 1609, 2 bases duplicated (GT; older notation c.1608_1609dupGT).
Protein change: p.Phe537fs; shifts the reading frame from phenylalanine 537.
Molecular consequence: frameshift variant.
Genome position (GRCh38, 1-based): chr17:42,543,614-42,543,615, GT duplicated; duplicating any 2 consecutive bases within chr17:42,543,611-42,543,615 gives the same sequence; the c. name uses the placement nearest the transcript's 3' end. VCF-style (leftmost placement, unchanged base first): chr17-42543610-A-ATG. GRCh37 (hg19) VCF-style: chr17-40695628-A-ATG.
Other names: short protein forms F537fs.
Identifiers: ClinVar variation 3402542 (VCV003402542.1).
Genomic context (GRCh38, chr17:42,543,610, plus strand): 5'-GCCCGCTGGTCAGGCGGCCGTCCCTACAGATGAATACCAGCATCTGGTACAACCGATCTG[A>ATG]TGTGTTTGAGGCCTGGCGGCTGCTGCTCACATCTGCTCCCTCCCTGGCCACCAGCCCCGC-3'